The following is an entry in ClinVar:

NM_000284.4(PDHA1):c.231A>T (p.Lys77Asn)

Gene: PDHA1 (pyruvate dehydrogenase E1 subunit alpha 1; plus strand). Cytogenetic location: Xp22.12.
Variant type: single nucleotide variant.
Coding change: c.231A>T on transcript NM_000284.4 (MANE Select); coding-DNA position 231, A replaced by T.
Protein change: p.Lys77Asn; replaces lysine 77 with asparagine.
Molecular consequence: missense variant.
Genome position (GRCh38, 1-based): chrX:19,350,050, A>T. VCF-style: chrX-19350050-A-T. GRCh37 (hg19) VCF-style: chrX-19368168-A-T.
Other names: c.231A>T, p.Lys77Asn (NM_001173455.2, NM_001173456.2); c.345A>T, p.Lys115Asn (NM_001173454.2); short protein forms K115N, K77N.
Identifiers: ClinVar variation 1526055 (VCV001526055.1), dbSNP rs2147174771, ClinGen allele CA412390385.

ClinVar aggregate classification (germline): Uncertain significance (1 of 4 stars; one submission).

Conditions:
Pyruvate dehydrogenase E1-alpha deficiency (PDHAD). Also called: Ataxia, intermittent, with pyruvate dehydrogenase, or decarboxylase, deficiency; ATAXIA, INTERMITTENT, WITH PYRUVATE DEHYDROGENASE DEFICIENCY; ATAXIA WITH LACTIC ACIDOSIS I; ATAXIA, INTERMITTENT, WITH ABNORMAL PYRUVATE METABOLISM. Identifiers: Orphanet 79243, MedGen C1839413, MONDO:0010717, OMIM 312170.

Submission:

3billion
Classification: Uncertain significance for Pyruvate dehydrogenase E1-alpha deficiency. Last evaluated: 2022-03-22. Review status: criteria provided, single submitter. Criteria: ACMG Guidelines, 2015. Collection method: clinical testing. Allele origin: germline. Affected: yes. Observed: 1 hemizygote.
Comment: The variant is not observed in the gnomAD v2.1.1 dataset. In silico tool predictions suggest damaging effect of the variant on gene or gene product (REVEL: 0.682>=0.6). A missense variant is a common mechanism associated. Therefore, this variant is classified as uncertain significance according to the recommendation of ACMG/AMP guideline.